The following is an entry in ClinVar:

NM_024675.4(PALB2):c.1049A>T (p.Gln350Leu)

Gene: PALB2 (partner and localizer of BRCA2; minus strand). Cytogenetic location: 16p12.2.
Variant type: single nucleotide variant.
Coding change: c.1049A>T on transcript NM_024675.4 (MANE Select); coding-DNA position 1049, A replaced by T.
Protein change: p.Gln350Leu; replaces glutamine 350 with leucine.
Molecular consequence: missense variant.
Genome position (GRCh38, 1-based): chr16:23,635,497, T>A on the plus strand (A>T on the coding strand, the complement: PALB2 is on the minus strand). VCF-style: chr16-23635497-T-A. GRCh37 (hg19) VCF-style: chr16-23646818-T-A.
Other names: short protein forms Q350L.
Identifiers: ClinVar variation 630025 (VCV000630025.15), dbSNP rs1567221732, ClinGen allele CA395134162.

ClinVar aggregate classification (germline): Uncertain significance. Review status: criteria provided, multiple submitters, no conflicts (2 of 4 stars). 3 submissions from 3 submitters: Uncertain significance (3). Last evaluated 2024-10-08.

Conditions:
Familial cancer of breast. Also called: BREAST CANCER, FAMILIAL; Hereditary breast cancer; hereditary breast carcinoma. Identifiers: Orphanet 227535, MedGen C0346153, MONDO:0016419, OMIM 114480. Disease mechanism: loss of function.
Hereditary cancer-predisposing syndrome. Also called: Neoplastic Syndromes, Hereditary; Tumor predisposition; Hereditary neoplastic syndrome; Hereditary Cancer Syndrome. Identifiers: Orphanet 140162, MedGen C0027672, MeSH D009386, MONDO:0015356.

Allele frequency attached by ClinVar (database versions not stated): TOPMed below 0.00001.

Submissions (3):

Ambry Genetics
Classification: Uncertain significance for Hereditary cancer-predisposing syndrome. Last evaluated: 2024-10-08. Review status: criteria provided, single submitter. Criteria: Ambry Variant Classification Scheme 2023. Collection method: clinical testing. Allele origin: germline.
Comment: The p.Q350L variant (also known as c.1049A>T), located in coding exon 4 of the PALB2 gene, results from an A to T substitution at nucleotide position 1049. The glutamine at codon 350 is replaced by leucine, an amino acid with dissimilar properties. This amino acid position is conserved. In addition, this alteration is predicted to be tolerated by in silico analysis. Based on the available evidence, the clinical significance of this variant remains unclear.

Color Diagnostics, LLC DBA Color Health
Classification: Uncertain significance for Hereditary cancer-predisposing syndrome. Last evaluated: 2023-12-04. Review status: criteria provided, single submitter. Criteria: ACMG Guidelines, 2015. Collection method: clinical testing. Allele origin: germline.
Comment: This missense variant replaces glutamine with leucine at codon 350 of the PALB2 protein. Computational prediction suggests that this variant may not impact protein structure and function (internally defined REVEL score threshold <= 0.5, PMID: 27666373). To our knowledge, functional studies have not been reported for this variant. This variant has not been reported in individuals affected with PALB2-related disorders in the literature. This variant has not been identified in the general population by the Genome Aggregation Database (gnomAD). The available evidence is insufficient to determine the role of this variant in disease conclusively. Therefore, this variant is classified as a Variant of Uncertain Significance.

Labcorp Genetics (formerly Invitae), Labcorp
Classification: Uncertain significance for Familial cancer of breast. Last evaluated: 2020-12-31. Review status: criteria provided, single submitter. Criteria: Invitae Variant Classification Sherloc (09022015). Collection method: clinical testing. Allele origin: germline.
Comment: This variant is not present in population databases (ExAC no frequency). In summary, the available evidence is currently insufficient to determine the role of this variant in disease. Therefore, it has been classified as a Variant of Uncertain Significance. Algorithms developed to predict the effect of missense changes on protein structure and function (SIFT, PolyPhen-2, Align-GVGD) all suggest that this variant is likely to be tolerated, but these predictions have not been confirmed by published functional studies and their clinical significance is uncertain. This variant has not been reported in the literature in individuals with PALB2-related conditions. ClinVar contains an entry for this variant (Variation ID: 630025). This sequence change replaces glutamine with leucine at codon 350 of the PALB2 protein (p.Gln350Leu). The glutamine residue is weakly conserved and there is a moderate physicochemical difference between glutamine and leucine.